The following is an entry in ClinVar:

NM_007294.4(BRCA1):c.5332+22A>T

Gene: BRCA1 (BRCA1 DNA repair associated; minus strand). Cytogenetic location: 17q21.31.
Variant type: single nucleotide variant.
Coding change: c.5332+22A>T on transcript NM_007294.4 (MANE Select); 22 bases into the intron after coding-DNA position 5332, A replaced by T.
Molecular consequence: intron variant.
Genome position (GRCh38, 1-based): chr17:43,051,041, T>A on the plus strand (A>T on the coding strand, the complement: BRCA1 is on the minus strand). VCF-style: chr17-43051041-T-A. GRCh37 (hg19) VCF-style: chr17-41203058-T-A.
Other names: c.1879+22A>T (NM_001408458.1, NM_001408461.1, NM_001408464.1 and 7 more transcripts); c.4441+22A>T (NM_001407967.1); c.4951+22A>T (NM_001407959.1); c.5065+22A>T (NM_001407931.1, NM_001407932.1, NM_001407928.1 and 4 more transcripts); c.5188+22A>T (NM_001407747.1, NM_001407745.1, NM_001407737.1 and 21 more transcripts); c.4948+22A>T (NM_001407962.1, NM_001407960.1); c.1519+22A>T (NM_001408512.1); c.1642+22A>T (NM_001408510.1); and 74 more.
Identifiers: ClinVar variation 868013 (VCV000868013.3), dbSNP rs200407477, ClinGen allele CA916080952.

Conditions:
Breast-ovarian cancer, familial, susceptibility to, 1 (BROVCA1). Also called: BRCA1 Hereditary Breast and Ovarian Cancer; OVARIAN CANCER, SUSCEPTIBILITY TO. Identifiers: Orphanet 145, MedGen C2676676, MONDO:0011450, OMIM 604370. Disease mechanism: loss of function.

Submission:

Brotman Baty Institute, University of Washington
No classification provided (evidence only). Condition: Breast-ovarian cancer, familial 1. Review status: no classification provided. Collection method: in vitro. Allele origin: not applicable. Functional consequence: functionally_normal.
ClinVar note: "not provided" was previously submitted as the classification for the variant. However, the classification appeared to be based only on an observation of functional data so it was converted to no classification on 2025-07-30.